The following is an entry in ClinVar:

NM_002335.4(LRP5):c.3918G>A (p.Ala1306=)

Gene: LRP5 (LDL receptor related protein 5; plus strand). Cytogenetic location: 11q13.2.
Variant type: single nucleotide variant.
Coding change: c.3918G>A on transcript NM_002335.4 (MANE Select); coding-DNA position 3918, G replaced by A.
Protein change: p.Ala1306=; no amino-acid change (alanine 1306 retained).
Molecular consequence: synonymous variant.
Genome position (GRCh38, 1-based): chr11:68,433,756, G>A. VCF-style: chr11-68433756-G-A. GRCh37 (hg19) VCF-style: chr11-68201224-G-A.
Other names: p.Ala1306=; c.2175G>A, p.Ala725= (NM_001291902.2).
Identifiers: ClinVar variation 776633 (VCV000776633.20), dbSNP rs11574425, ClinGen allele CA6150155.

ClinVar aggregate classification (germline): Benign/Likely benign. Review status: criteria provided, multiple submitters, no conflicts (2 of 4 stars). 9 submissions from 9 submitters: Benign (6); Likely benign (1). 2 of the submissions do not count toward it. Last evaluated 2026-02-01.

Conditions:
Osteogenesis imperfecta (OI). Identifiers: Orphanet 666, MedGen C0029434, MeSH D010013, MONDO:0019019.

Allele frequency attached by ClinVar (database versions not stated): gnomAD 0.00998 and 0.01064; TOPMed 0.01058; ESP Exome Variant Server 0.01086; 1000 Genomes Project 0.01178; 1000 Genomes Project 30x 0.01343.
gnomAD v4.1: 3,071 of 1,612,694 alleles (0.19%); highest among the groups gnomAD compares: African/African-American, 3.3%; 42 homozygotes.

Submissions (9):

Labcorp Genetics (formerly Invitae), Labcorp
Classification: Benign. Last evaluated: 2026-02-01. Review status: criteria provided, single submitter. Criteria: Invitae Variant Classification Sherloc (09022015). Collection method: clinical testing. Allele origin: germline.

ARUP Laboratories, Molecular Genetics and Genomics, ARUP Laboratories
Classification: Benign. Last evaluated: 2025-05-02. Review status: criteria provided, single submitter. Criteria: ARUP Molecular Germline Variant Investigation Process 2024. Collection method: clinical testing. Allele origin: germline.

Blueprint Genetics
Classification: Likely benign. Last evaluated: 2024-11-25. Review status: criteria provided, single submitter. Criteria: ACMG Guidelines, 2015. Collection method: clinical testing. Allele origin: germline.

Mayo Clinic Laboratories, Mayo Clinic
Classification: Benign. Last evaluated: 2024-06-04. Review status: criteria provided, single submitter. Criteria: ACMG Guidelines, 2015. Collection method: clinical testing. Allele origin: germline. Observed: 8 variant alleles.
Comment: BS2, BP4, BP7

Genome Diagnostics Laboratory, The Hospital for Sick Children
Classification: Benign for Osteogenesis imperfecta. Last evaluated: 2019-06-01. Review status: criteria provided, single submitter. Criteria: ACMG Guidelines, 2015. Collection method: clinical testing. Allele origin: germline.

GeneDx
Classification: Benign. Last evaluated: 2018-10-02. Review status: criteria provided, single submitter. Criteria: GeneDx Variant Classification Process June 2021. Collection method: clinical testing. Allele origin: germline. Affected: yes.

Breakthrough Genomics
Classification: Benign. Review status: criteria provided, single submitter. Criteria: ACMG Guidelines, 2015. Collection method: not provided. Allele origin: germline. Inheritance: Autosomal recessive inheritance. Affected: yes.

Genome Diagnostics Laboratory, Amsterdam University Medical Center
Classification: Benign. Review status: no assertion criteria provided. Collection method: clinical testing. Allele origin: germline. Affected: yes. Study: VKGL Data-share Consensus. Not counted in ClinVar's aggregate classification.

Genome Diagnostics Laboratory, University Medical Center Utrecht
Classification: Likely benign. Review status: no assertion criteria provided. Collection method: clinical testing. Allele origin: germline. Affected: yes. Study: VKGL Data-share Consensus. Not counted in ClinVar's aggregate classification.